The following is an entry in ClinVar:

NM_030954.4(RNF170):c.510T>A (p.Ile170=)

Gene: RNF170 (ring finger protein 170; minus strand). Cytogenetic location: 8p11.21.
Variant type: single nucleotide variant.
Coding change: c.510T>A on transcript NM_030954.4 (MANE Select); coding-DNA position 510, T replaced by A.
Protein change: p.Ile170=; no amino-acid change (isoleucine 170 retained).
Molecular consequence: synonymous variant. On other transcripts: non-coding transcript variant (2), intron variant (1).
Genome position (GRCh38, 1-based): chr8:42,856,426, A>T on the plus strand (T>A on the coding strand, the complement: RNF170 is on the minus strand). VCF-style: chr8-42856426-A-T. GRCh37 (hg19) VCF-style: chr8-42711569-A-T.
Other names: c.510T>A, p.Ile170= (NM_001160223.2); c.258T>A, p.Ile86= (NM_001160225.2); c.397-5429T>A (NM_001160224.2).
Identifiers: ClinVar variation 3778073 (VCV003778073.7).

ClinVar aggregate classification (germline): Likely benign (1 of 4 stars; one submission).

gnomAD v4.1: 11 of 1,608,130 alleles (0.00068%); highest among the groups gnomAD compares: Non-Finnish European, 0.00085%; no homozygotes.

Submission:

CeGaT Center for Human Genetics Tuebingen
Classification: Likely benign. Last evaluated: 2025-03-01. Review status: criteria provided, single submitter. Criteria: CeGaT Center For Human Genetics Tuebingen Variant Classification Criteria Version 2. Collection method: clinical testing. Allele origin: germline. Affected: yes. Observed: 1 variant allele.
Comment: RNF170: BP4, BP7